The following is an entry in ClinVar:

ClinVar aggregate classification (germline): Uncertain significance (1 of 4 stars; one submission).

Conditions:
Joubert syndrome 23 (JBTS23). Identifiers: Orphanet 475, MedGen C4084822, MONDO:0014664, OMIM 616490.
Short-rib thoracic dysplasia 14 with polydactyly (SRTD14). Identifiers: Orphanet 397715, MedGen C4225286, MONDO:0014688, OMIM 616546.

Allele frequency attached by ClinVar (database versions not stated): gnomAD exomes below 0.00001.

Submission:

Labcorp Genetics (formerly Invitae), Labcorp
Classification: Uncertain significance for Joubert syndrome 23; Short-rib thoracic dysplasia 14 with polydactyly. Last evaluated: 2019-08-30. Review status: criteria provided, single submitter. Criteria: Invitae Variant Classification Sherloc (09022015). Collection method: clinical testing. Allele origin: germline.
Comment: This sequence change falls in intron 27 of the KIAA0586 gene. It does not directly change the encoded amino acid sequence of the KIAA0586 protein, but it affects a nucleotide within the consensus splice site of the intron. This variant is not present in population databases (ExAC no frequency). This variant has not been reported in the literature in individuals with KIAA0586-related conditions. Nucleotide substitutions within the consensus splice site are a relatively common cause of aberrant splicing (PMID: 17576681, 9536098). Algorithms developed to predict the effect of sequence changes on RNA splicing suggest that this variant may disrupt the consensus splice site, but this prediction has not been confirmed by published transcriptional studies. In summary, the available evidence is currently insufficient to determine the role of this variant in disease. Therefore, it has been classified as a Variant of Uncertain Significance.

Literature cited by the submitters: PubMed 17576681; PubMed 9536098.

NM_001329943.3(KIAA0586):c.3858+4A>G

Gene: KIAA0586 (KIAA0586; plus strand). Cytogenetic location: 14q23.1.
Variant type: single nucleotide variant.
Coding change: c.3858+4A>G on transcript NM_001329943.3 (MANE Select); 4 bases into the intron after coding-DNA position 3858, A replaced by G.
Molecular consequence: intron variant.
Genome position (GRCh38, 1-based): chr14:58,490,244, A>G. VCF-style: chr14-58490244-A-G. GRCh37 (hg19) VCF-style: chr14-58956962-A-G.
Other names: c.4017+4A>G (NM_001244189.2); c.3813+4A>G (NM_001244190.2); c.3726+4A>G (NM_001244192.2); c.3603+4A>G (NM_001244191.2, NM_001364701.2, NM_001329945.2 and 1 more transcripts); c.3858+4A>G (NM_001329944.2, NM_001329946.2, NM_001329947.2); c.3630+4A>G (NM_014749.5); c.3438+4A>G (NM_001244193.2).
Identifiers: ClinVar variation 942439 (VCV000942439.7), dbSNP rs2042748796, ClinGen allele CA1139663497.